The following is an entry in ClinVar:

NM_000891.3(KCNJ2):c.119G>A (p.Arg40Gln)

Gene: KCNJ2 (potassium inwardly rectifying channel subfamily J member 2; plus strand). Cytogenetic location: 17q24.3.
Variant type: single nucleotide variant.
Coding change: c.119G>A on transcript NM_000891.3 (MANE Select); coding-DNA position 119, G replaced by A.
Protein change: p.Arg40Gln; replaces arginine 40 with glutamine.
Molecular consequence: missense variant.
Genome position (GRCh38, 1-based): chr17:70,175,158, G>A. VCF-style: chr17-70175158-G-A. GRCh37 (hg19) VCF-style: chr17-68171299-G-A.
Other names: short protein forms R40Q.
Identifiers: ClinVar variation 324830 (VCV000324830.22), dbSNP rs766143485, ClinGen allele CA8738692.
Genomic context (GRCh38, chr17:70,175,158, plus strand): 5'-AGTTGGCCACCATGGCAGTTGCAAATGGCTTTGGGAACGGGAAGAGTAAAGTCCACACCC[G>A]ACAACAGTGCAGGAGCCGCTTTGTGAAGAAAGATGGCCACTGTAATGTTCAGTTCATCAA-3'
Protein context (NP_000882.1, residues 30-50): FGNGKSKVHT[Arg40Gln]QQCRSRFVKK

ClinVar aggregate classification (germline): Conflicting classifications of pathogenicity. Review status: criteria provided, conflicting classifications (1 of 4 stars). 9 submissions from 7 submitters: Uncertain significance (8); Benign (1). Last evaluated 2026-01-27.

Conditions:
Cardiovascular phenotype. Identifiers: MedGen CN230736.
Andersen Tawil syndrome (LQT7). Also called: Potassium-sensitive periodic paralysis, ventricular ectopy, and dysmorphic features; ANDERSEN CARDIODYSRHYTHMIC PERIODIC PARALYSIS; LONG QT SYNDROME 7; PERIODIC PARALYSIS, POTASSIUM-SENSITIVE CARDIODYSRHYTHMIC TYPE; Andersen Syndrome. Identifiers: Orphanet 37553, MedGen C1563715, MONDO:0008222, OMIM 170390.
Atrial fibrillation, familial, 9 (ATFB9). Identifiers: MedGen C3151431, MONDO:0013513, OMIM 613980.
Short QT syndrome type 3. Identifiers: Orphanet 51083, MedGen C1865018, MONDO:0012314, OMIM 609622.
SUDDEN INFANT DEATH SYNDROME (SIDS). Also called: Sudden Infant Death. Identifiers: MedGen C0038644, MeSH D013398, OMIM 272120.

Allele frequency attached by ClinVar (database versions not stated): ExAC 0.00002; gnomAD exomes 0.00002; TOPMed 0.00003; gnomAD 0.00004.

Submissions (9):

Labcorp Genetics (formerly Invitae), Labcorp
Classification: Uncertain significance for Short QT syndrome type 3; Andersen Tawil syndrome. Last evaluated: 2026-01-27. Review status: criteria provided, single submitter. Criteria: Invitae Variant Classification Sherloc (09022015). Collection method: clinical testing. Allele origin: germline.
Comment: This sequence change replaces arginine, which is basic and polar, with glutamine, which is neutral and polar, at codon 40 of the KCNJ2 protein (p.Arg40Gln). This variant is present in population databases (rs766143485, gnomAD 0.008%). This missense change has been observed in individual(s) with primary electrical disease (PED), however this individual also had a pathogenic variant in another PED-related gene (PMID: 28341588, 29874177). ClinVar contains an entry for this variant (Variation ID: 324830). Invitae Evidence Modeling of protein sequence and biophysical properties (such as structural, functional, and spatial information, amino acid conservation, physicochemical variation, residue mobility, and thermodynamic stability) indicates that this missense variant is not expected to disrupt KCNJ2 protein function with a negative predictive value of 95%. Experimental studies have shown that this missense change affects KCNJ2 function (PMID: 29874177). In summary, the available evidence is currently insufficient to determine the role of this variant in disease. Therefore, it has been classified as a Variant of Uncertain Significance.

GeneDx
Classification: Uncertain significance. Last evaluated: 2025-06-16. Review status: criteria provided, single submitter. Criteria: GeneDx Variant Classification Process June 2021. Collection method: clinical testing. Allele origin: germline. Affected: yes.
Comment: Has been reported as a likely benign variant in one patient with primary electrical disease who also harbors a loss of function variant in the PKP2 gene (PMID: 28341588); Has also been observed in a family with arrhythmogenic cardiomyopathy who harbored a different PKP2 variant; the KCNJ2 variant listed as possibly not assocaited with disease in this family (PMID: 37510372); Has also been observed in cases of stillbirth or sudden unexpected death in a pediatric setting (PMID: 29874177, 35027292); Not observed at significant frequency in large population cohorts (gnomAD); In silico analysis suggests that this missense variant does not alter protein structure/function; This variant is associated with the following publications: (PMID: 29874177, 35027292, 28341588, 37510372)

Ambry Genetics
Classification: Benign for Cardiovascular phenotype. Last evaluated: 2023-11-22. Review status: criteria provided, single submitter. Criteria: Ambry Variant Classification Scheme 2023. Collection method: clinical testing. Allele origin: germline.

ARUP Laboratories, Molecular Genetics and Genomics, ARUP Laboratories
Classification: Uncertain significance. Last evaluated: 2022-03-08. Review status: criteria provided, single submitter. Criteria: ARUP Molecular Germline Variant Investigation Process 2021. Collection method: clinical testing. Allele origin: germline.
Comment: The KCNJ2 c.119G>A; p.Arg40Gln variant (rs766143485) is reported in the literature in an individual affected with fetal thrombotic vasculopathy (Munroe 2018), and an individual affected with primary electrical disease who also carried a pathogenic PKP2 variant (Proost 2017). This variant is also reported in ClinVar (Variation ID: 324830), but is only observed on five alleles in the Genome Aggregation Database, indicating it is not a common polymorphism. The arginine at codon 40 is moderately conserved, and computational analyses are uncertain whether this variant is neutral or deleterious (REVEL: 0.201). In vitro functional analyses demonstrate reduced channel function (Munroe 2018). However, given the limited clinical and functional data, the significance of this variant is uncertain at this time. References: Munroe PB et al. Postmortem Genetic Testing for Cardiac Ion Channelopathies in Stillbirths. Circ Genom Precis Med. 2018 Jan;11(1):e001817. PMID: 29874177. Proost D et al. Targeted Next-Generation Sequencing of 51 Genes Involved in Primary Electrical Disease. J Mol Diagn. 2017 May;19(3):445-459. PMID: 28341588.

Robert's Program, Boston Children's Hospital
Classification: Uncertain significance for SUDDEN INFANT DEATH SYNDROME. Last evaluated: 2021-10-01. Review status: criteria provided, single submitter. Criteria: ACMG Guidelines, 2015. Collection method: research. Allele origin: germline. Affected: yes.
Comment: We classify this variant as a variant of uncertain significance using ACMG/AMP criteria. As this variant has functional evidence supporting pathogenicty, we suspect this variant is favoring pathogenic.

Fulgent Genetics
Classification: Uncertain significance for Andersen Tawil syndrome; Short QT syndrome type 3; Atrial fibrillation, familial, 9. Last evaluated: 2021-08-31. Review status: criteria provided, single submitter. Criteria: ACMG Guidelines, 2015. Collection method: clinical testing. Allele origin: unknown.

Illumina Laboratory Services, Illumina
Classification: Uncertain significance for Short QT syndrome type 3. Last evaluated: 2018-01-12. Review status: criteria provided, single submitter. Criteria: ICSL Variant Classification Criteria 13 December 2019. Collection method: clinical testing. Allele origin: germline.

Illumina Laboratory Services, Illumina
Classification: Uncertain significance for Andersen Tawil syndrome. Last evaluated: 2018-01-12. Review status: criteria provided, single submitter. Criteria: ICSL Variant Classification Criteria 13 December 2019. Collection method: clinical testing. Allele origin: germline.

Illumina Laboratory Services, Illumina
Classification: Uncertain significance for Atrial fibrillation, familial, 9. Last evaluated: 2018-01-12. Review status: criteria provided, single submitter. Criteria: ICSL Variant Classification Criteria 13 December 2019. Collection method: clinical testing. Allele origin: germline.

Literature cited by the submitters: PubMed 28341588 (cited by Labcorp Genetics (formerly Invitae), Labcorp and Ambry Genetics); PubMed 29874177 (cited by Labcorp Genetics (formerly Invitae), Labcorp and Ambry Genetics).